The following is an entry in ClinVar:

ClinVar aggregate classification (germline): Uncertain significance (1 of 4 stars; one submission).

Allele frequency attached by ClinVar (database versions not stated): gnomAD 0.00001.
gnomAD v4.1: 6 of 1,613,170 alleles (0.00037%); highest among the groups gnomAD compares: Middle Eastern, 0.016%; no homozygotes.

Submission:

Labcorp Genetics (formerly Invitae), Labcorp
Classification: Uncertain significance. Last evaluated: 2023-11-19. Review status: criteria provided, single submitter. Criteria: Invitae Variant Classification Sherloc (09022015). Collection method: clinical testing. Allele origin: germline.
Comment: This sequence change falls in intron 1 of the DDX41 gene. It does not directly change the encoded amino acid sequence of the DDX41 protein. This variant is present in population databases (rs763712095, gnomAD 0.003%). This variant has not been reported in the literature in individuals affected with DDX41-related conditions. Algorithms developed to predict the effect of sequence changes on RNA splicing suggest that this variant may create or strengthen a splice site. In summary, the available evidence is currently insufficient to determine the role of this variant in disease. Therefore, it has been classified as a Variant of Uncertain Significance.

NM_016222.4(DDX41):c.27+13C>T

Gene: DDX41 (DEAD-box helicase 41; minus strand). Cytogenetic location: 5q35.3.
Variant type: single nucleotide variant.
Coding change: c.27+13C>T on transcript NM_016222.4 (MANE Select); 13 bases into the intron after coding-DNA position 27, C replaced by T.
Molecular consequence: intron variant.
Genome position (GRCh38, 1-based): chr5:177,516,906, G>A on the plus strand (C>T on the coding strand, the complement: DDX41 is on the minus strand). VCF-style: chr5-177516906-G-A. GRCh37 (hg19) VCF-style: chr5-176943907-G-A.
Other names: c.-421+13C>T (NM_001321830.2); c.-629+13C>T (NM_001321732.2).
Identifiers: ClinVar variation 2782371 (VCV002782371.3), dbSNP rs763712095, ClinGen allele CA3585425.